The following is an entry in ClinVar:

ClinVar aggregate classification (germline): Uncertain significance (1 of 4 stars; one submission).

Submission:

GeneDx
Classification: Uncertain significance. Last evaluated: 2024-03-04. Review status: criteria provided, single submitter. Criteria: GeneDx Variant Classification Process June 2021. Collection method: clinical testing. Allele origin: germline. Affected: yes.
Comment: Has not been previously published as pathogenic or benign to our knowledge; Not observed at significant frequency in large population cohorts (gnomAD); In silico analysis supports that this missense variant does not alter protein structure/function

NM_130837.3(OPA1):c.2059G>A (p.Val687Met)

Gene: OPA1 (OPA1 mitochondrial dynamin like GTPase; plus strand). Cytogenetic location: 3q29.
Variant type: single nucleotide variant.
Coding change: c.2059G>A on transcript NM_130837.3 (MANE Select); coding-DNA position 2059, G replaced by A.
Protein change: p.Val687Met; replaces valine 687 with methionine.
Molecular consequence: missense variant.
Genome position (GRCh38, 1-based): chr3:193,654,908, G>A. VCF-style: chr3-193654908-G-A. GRCh37 (hg19) VCF-style: chr3-193372697-G-A.
Other names: c.1525G>A, p.Val509Met (NM_001354663.2); c.1522G>A, p.Val508Met (NM_001354664.2); c.1894G>A, p.Val632Met (NM_015560.3); c.1786G>A, p.Val596Met (NM_130831.3); c.1840G>A, p.Val614Met (NM_130832.3); c.1897G>A, p.Val633Met (NM_130833.3); c.1948G>A, p.Val650Met (NM_130834.3); c.1951G>A, p.Val651Met (NM_130835.3); and 1 more; short protein forms V508M, V509M, V596M, V614M, V632M, V633M, V650M, V651M.
Identifiers: ClinVar variation 3373588 (VCV003373588.1).